The following is an entry in ClinVar:

NM_001127649.3(PEX26):c.910C>T (p.Arg304Cys)

Gene: PEX26 (peroxisomal biogenesis factor 26; plus strand). Cytogenetic location: 22q11.21.
Variant type: single nucleotide variant.
Coding change: c.910C>T on transcript NM_001127649.3 (MANE Select); coding-DNA position 910, C replaced by T.
Protein change: p.Arg304Cys; replaces arginine 304 with cysteine.
Molecular consequence: missense variant.
Genome position (GRCh38, 1-based): chr22:18,088,067, C>T. VCF-style: chr22-18088067-C-T. GRCh37 (hg19) VCF-style: chr22-18570833-C-T.
Other names: c.763C>T, p.Arg255Cys (NM_001199319.2); c.910C>T, p.Arg304Cys (NM_017929.6); short protein forms R255C, R304C.
Identifiers: ClinVar variation 852738 (VCV000852738.8), dbSNP rs772069004, ClinGen allele CA10093452.
Genomic context (GRCh38, chr22:18,088,067, plus strand): 5'-GCCCAGCTCTTCCGCTGGATCCGGAAGGCTGCATTTTCTCGCCTCTACCAGCTCCGCATC[C>T]GTGACTGAGGGTCCCTGCGCACCACAGCCTCTCTGCTCCTCACGTCCGTGGCCACAGAAG-3'
Protein context (NP_001121121.1, residues 294-305): AFSRLYQLRI[Arg304Cys]D

ClinVar aggregate classification (germline): Uncertain significance. Review status: criteria provided, multiple submitters, no conflicts (2 of 4 stars). 2 submissions from 2 submitters: Uncertain significance (2). Last evaluated 2024-10-24.

Conditions:
Peroxisome biogenesis disorder 7A (Zellweger). Also called: Peroxisome biogenesis disorder 7A. Identifiers: Orphanet 912, MedGen C3888385, MONDO:0013938, OMIM 614872.
Peroxisome biogenesis disorder 7B (PBD7B). Identifiers: Orphanet 44, MedGen C3553951, MONDO:0013939, OMIM 614873.

Allele frequency attached by ClinVar (database versions not stated): TOPMed below 0.00001; gnomAD 0.00001; ExAC 0.00002; gnomAD exomes 0.00002 and 0.00003.

Submissions (2):

Blueprint Genetics
Classification: Uncertain significance. Last evaluated: 2024-10-24. Review status: criteria provided, single submitter. Criteria: ACMG Guidelines, 2015. Collection method: clinical testing. Allele origin: germline.

Labcorp Genetics (formerly Invitae), Labcorp
Classification: Uncertain significance for Peroxisome biogenesis disorder 7A (Zellweger); Peroxisome biogenesis disorder 7B. Last evaluated: 2022-09-01. Review status: criteria provided, single submitter. Criteria: Invitae Variant Classification Sherloc (09022015). Collection method: clinical testing. Allele origin: germline.
Comment: This sequence change replaces arginine, which is basic and polar, with cysteine, which is neutral and slightly polar, at codon 304 of the PEX26 protein (p.Arg304Cys). This variant is present in population databases (rs772069004, gnomAD 0.006%). This variant has not been reported in the literature in individuals affected with PEX26-related conditions. ClinVar contains an entry for this variant (Variation ID: 852738). Algorithms developed to predict the effect of missense changes on protein structure and function are either unavailable or do not agree on the potential impact of this missense change (SIFT: "Deleterious"; PolyPhen-2: "Probably Damaging"; Align-GVGD: "Class C0"). In summary, the available evidence is currently insufficient to determine the role of this variant in disease. Therefore, it has been classified as a Variant of Uncertain Significance.